The following is an entry in ClinVar:

NM_000185.4(SERPIND1):c.407A>T (p.Asn136Ile)

Genes: PI4KA (phosphatidylinositol 4-kinase alpha; minus strand), SERPIND1 (serpin family D member 1; plus strand). Cytogenetic location: 22q11.21.
Variant type: single nucleotide variant.
Coding change: c.407A>T on transcript NM_000185.4 (MANE Select); coding-DNA position 407, A replaced by T.
Protein change: p.Asn136Ile; replaces asparagine 136 with isoleucine.
Molecular consequence: missense variant. On other transcripts: intron variant (3).
Genome position (GRCh38, 1-based): chr22:20,779,719, A>T. VCF-style: chr22-20779719-A-T. GRCh37 (hg19) VCF-style: chr22-21134007-A-T.
Other names: c.2262+13474T>A (NM_001362863.2); c.2328+13474T>A (NM_001362862.2, NM_058004.4); short protein forms N136I.
Identifiers: ClinVar variation 4982470 (VCV004982470.1).

ClinVar aggregate classification (germline): Likely benign (1 of 4 stars; one submission).

Conditions:
SERPIND1-related disorder. Also called: SERPIND1-related condition.

gnomAD v4.1: 336 of 1,614,160 alleles (0.021%); highest among the groups gnomAD compares: African/African-American, 0.41%; no homozygotes.

Submission:

PreventionGenetics, part of Exact Sciences
Classification: Likely benign for SERPIND1-related condition. Last evaluated: 2026-03-28. Review status: criteria provided, single submitter. Criteria: ACMG Guidelines, 2015. Collection method: clinical testing. Allele origin: germline.
Comment: This variant is classified as likely benign based on ACMG/AMP sequence variant interpretation guidelines (Richards et al. 2015 PMID: 25741868, with internal and published modifications).